The following is an entry in ClinVar:

NM_003072.5(SMARCA4):c.3799G>A (p.Gly1267Ser)

Gene: SMARCA4 (SWI/SNF related BAF chromatin remodeling complex subunit ATPase 4; plus strand). Cytogenetic location: 19p13.2.
Variant type: single nucleotide variant.
Coding change: c.3799G>A on transcript NM_003072.5 (MANE Select); coding-DNA position 3799, G replaced by A.
Protein change: p.Gly1267Ser; replaces glycine 1267 with serine.
Molecular consequence: missense variant. On other transcripts: intron variant (5).
Genome position (GRCh38, 1-based): chr19:11,033,791, G>A. VCF-style: chr19-11033791-G-A. GRCh37 (hg19) VCF-style: chr19-11144467-G-A.
Other names: c.3799G>A, p.Gly1267Ser (NM_001128844.3, NM_001128849.3, NM_001387283.1); c.3774+274G>A (NM_001128847.4, NM_001374457.1, NM_001128845.2 and 2 more transcripts); short protein forms G1267S.
Identifiers: ClinVar variation 480652 (VCV000480652.12), dbSNP rs764152134, ClinGen allele CA9204527.

ClinVar aggregate classification (germline): Conflicting classifications of pathogenicity. Review status: criteria provided, conflicting classifications (1 of 4 stars). 4 submissions from 4 submitters: Uncertain significance (3); Likely benign (1). Last evaluated 2025-05-14.

Conditions:
SMARCA4-related disorder. Also called: SMARCA4-related condition.
Hereditary cancer-predisposing syndrome. Also called: Neoplastic Syndromes, Hereditary; Hereditary Cancer Syndrome; Tumor predisposition; Hereditary neoplastic syndrome. Identifiers: Orphanet 140162, MedGen C0027672, MeSH D009386, MONDO:0015356.
Intellectual disability, autosomal dominant 16 (CSS4). Also called: COFFIN-SIRIS SYNDROME 4. Identifiers: Orphanet 1465, MedGen C3553249, MONDO:0013821, OMIM 614609.
Rhabdoid tumor predisposition syndrome 2 (RTPS2). Identifiers: Orphanet 231108, Orphanet 69077, MedGen C2750074, MONDO:0013224, OMIM 613325.

Allele frequency attached by ClinVar (database versions not stated): gnomAD exomes below 0.00001; ExAC 0.00001; TOPMed 0.00001; gnomAD 0.00002.
gnomAD v4.1: 4 of 779,766 alleles (0.00051%); highest among the groups gnomAD compares: African/African-American, 0.0017%; no homozygotes.

Submissions (4):

Labcorp Genetics (formerly Invitae), Labcorp
Classification: Uncertain significance for Rhabdoid tumor predisposition syndrome 2. Last evaluated: 2025-05-14. Review status: criteria provided, single submitter. Criteria: Invitae Variant Classification Sherloc (09022015). Collection method: clinical testing. Allele origin: germline.
Comment: This sequence change replaces glycine, which is neutral and non-polar, with serine, which is neutral and polar, at codon 1267 of the SMARCA4 protein (p.Gly1267Ser). This variant is present in population databases (rs764152134, gnomAD 0.003%). This variant has not been reported in the literature in individuals affected with SMARCA4-related conditions. ClinVar contains an entry for this variant (Variation ID: 480652). An algorithm developed to predict the effect of missense changes on protein structure and function (PolyPhen-2) suggests that this variant is likely to be tolerated. In summary, the available evidence is currently insufficient to determine the role of this variant in disease. Therefore, it has been classified as a Variant of Uncertain Significance.

PreventionGenetics, part of Exact Sciences
Classification: Uncertain significance for SMARCA4-related condition. Last evaluated: 2025-03-09. Review status: criteria provided, single submitter. Criteria: ACMG Guidelines, 2015. Collection method: clinical testing. Allele origin: germline.
Comment: The SMARCA4 c.3799G>A variant is predicted to result in the amino acid substitution p.Gly1267Ser. To our knowledge, this variant has not been reported in the literature. This variant is reported in 0.0033% of alleles in individuals of South Asian descent in gnomAD. At this time, the clinical significance of this variant is uncertain due to the absence of conclusive functional and genetic evidence.

Ambry Genetics
Classification: Likely benign for Hereditary cancer-predisposing syndrome. Last evaluated: 2023-06-14. Review status: criteria provided, single submitter. Criteria: Ambry Variant Classification Scheme 2023. Collection method: clinical testing. Allele origin: germline.

Genome-Nilou Lab
Classification: Uncertain significance for Intellectual disability, autosomal dominant 16. Last evaluated: 2021-07-15. Review status: criteria provided, single submitter. Criteria: ACMG Guidelines, 2015. Collection method: clinical testing. Allele origin: germline. Affected: no.